The following is an entry in ClinVar:

NM_198075.4(LRRC56):c.976G>A (p.Ala326Thr)

Gene: LRRC56 (leucine rich repeat containing 56; plus strand). Cytogenetic location: 11p15.5.
Variant type: single nucleotide variant.
Coding change: c.976G>A on transcript NM_198075.4 (MANE Select); coding-DNA position 976, G replaced by A.
Protein change: p.Ala326Thr; replaces alanine 326 with threonine.
Molecular consequence: missense variant.
Genome position (GRCh38, 1-based): chr11:551,905, G>A. VCF-style: chr11-551905-G-A. GRCh37 (hg19) VCF-style: chr11-551905-G-A.
Other names: short protein forms A326T.
Identifiers: ClinVar variation 1436539 (VCV001436539.5), dbSNP rs201453048, ClinGen allele CA5779899.
Genomic context (GRCh38, chr11:551,905, plus strand): 5'-AAGCTGACCCTGCAGCCCCTCGGCCCCGAACCAGGCCCAGCCATGCTGTCTCTTGCAGGT[G>A]CTGGCCAAGTCCTCTGTGGGAACCCCACCAAGGGCCTGCGGGAGCGTAGGCACCAGTGCC-3'
Protein context (NP_932341.1, residues 316-336): EDNTSSLTHG[Ala326Thr]GQVLCGNPTK

ClinVar aggregate classification (germline): Uncertain significance (1 of 4 stars; one submission).

Allele frequency attached by ClinVar (database versions not stated): ExAC 0.00003; gnomAD 0.00003 and 0.00005; gnomAD exomes 0.00004 and 0.00005; TOPMed 0.00006.
gnomAD v4.1: 87 of 1,612,508 alleles (0.0054%); highest among the groups gnomAD compares: Admixed American, 0.015%; no homozygotes.

Submission:

Labcorp Genetics (formerly Invitae), Labcorp
Classification: Uncertain significance. Last evaluated: 2022-03-11. Review status: criteria provided, single submitter. Criteria: Invitae Variant Classification Sherloc (09022015). Collection method: clinical testing. Allele origin: germline.
Comment: This sequence change replaces alanine, which is neutral and non-polar, with threonine, which is neutral and polar, at codon 326 of the LRRC56 protein (p.Ala326Thr). This variant is present in population databases (rs201453048, gnomAD 0.02%). This variant has not been reported in the literature in individuals affected with LRRC56-related conditions. Algorithms developed to predict the effect of missense changes on protein structure and function output the following: SIFT: "Tolerated"; PolyPhen-2: "Benign"; Align-GVGD: "Class C0". The threonine amino acid residue is found in multiple mammalian species, which suggests that this missense change does not adversely affect protein function. Algorithms developed to predict the effect of sequence changes on RNA splicing suggest that this variant may create or strengthen a splice site. In summary, the available evidence is currently insufficient to determine the role of this variant in disease. Therefore, it has been classified as a Variant of Uncertain Significance.